The following is an entry in ClinVar:

ClinVar aggregate classification (germline): Uncertain significance. Review status: criteria provided, multiple submitters, no conflicts (2 of 4 stars). 2 submissions from 2 submitters: Uncertain significance (2). Last evaluated 2024-09-03.

Conditions:
Hereditary cancer-predisposing syndrome. Also called: Neoplastic Syndromes, Hereditary; Hereditary Cancer Syndrome; Hereditary neoplastic syndrome; Tumor predisposition. Identifiers: Orphanet 140162, MedGen C0027672, MeSH D009386, MONDO:0015356.
Tumor predisposition syndrome 3 (TPDS3). Also called: Melanoma, cutaneous malignant, susceptibility to, 10; Glioma susceptibility 9; LONG TELOMERE SYNDROME, POT1-RELATED; POT1 Tumor Predisposition. Identifiers: Orphanet 618, MedGen C4014476, MONDO:0014368, OMIM 615848.

Allele frequency attached by ClinVar (database versions not stated): TOPMed below 0.00001; gnomAD 0.00001.
gnomAD v4.1: 1 of 1,599,816 alleles (0.000063%); highest among the groups gnomAD compares: Non-Finnish European, 0.000085%; no homozygotes.

Submissions (2):

Ambry Genetics
Classification: Uncertain significance for Hereditary cancer-predisposing syndrome. Last evaluated: 2024-09-03. Review status: criteria provided, single submitter. Criteria: Ambry Variant Classification Scheme 2023. Collection method: clinical testing. Allele origin: germline.
Comment: The p.K234T variant (also known as c.701A>C), located in coding exon 5 of the POT1 gene, results from an A to C substitution at nucleotide position 701. The lysine at codon 234 is replaced by threonine, an amino acid with similar properties. This amino acid position is well conserved in available vertebrate species. In addition, the in silico prediction for this alteration is inconclusive. Based on the available evidence, the clinical significance of this variant remains unclear.

Labcorp Genetics (formerly Invitae), Labcorp
Classification: Uncertain significance for Tumor predisposition syndrome 3. Last evaluated: 2022-07-19. Review status: criteria provided, single submitter. Criteria: Invitae Variant Classification Sherloc (09022015). Collection method: clinical testing. Allele origin: germline.
Comment: In summary, the available evidence is currently insufficient to determine the role of this variant in disease. Therefore, it has been classified as a Variant of Uncertain Significance. Algorithms developed to predict the effect of sequence changes on RNA splicing suggest that this variant may disrupt the consensus splice site. Algorithms developed to predict the effect of missense changes on protein structure and function (SIFT, PolyPhen-2, Align-GVGD) all suggest that this variant is likely to be disruptive. ClinVar contains an entry for this variant (Variation ID: 1063944). This variant has not been reported in the literature in individuals affected with POT1-related conditions. This variant is not present in population databases (gnomAD no frequency). This sequence change replaces lysine, which is basic and polar, with threonine, which is neutral and polar, at codon 234 of the POT1 protein (p.Lys234Thr).

NM_015450.3(POT1):c.701A>C (p.Lys234Thr)

Gene: POT1 (protection of telomeres 1; minus strand). Cytogenetic location: 7q31.33.
Variant type: single nucleotide variant.
Coding change: c.701A>C on transcript NM_015450.3 (MANE Select); coding-DNA position 701, A replaced by C.
Protein change: p.Lys234Thr; replaces lysine 234 with threonine.
Molecular consequence: missense variant. On other transcripts: non-coding transcript variant (3).
Genome position (GRCh38, 1-based): chr7:124,858,958, T>G on the plus strand (A>C on the coding strand, the complement: POT1 is on the minus strand). VCF-style: chr7-124858958-T-G. GRCh37 (hg19) VCF-style: chr7-124499012-T-G.
Other names: c.701A>C (NM_015450.2); c.308A>C, p.Lys103Thr (NM_001042594.2); short protein forms K103T, K234T.
Identifiers: ClinVar variation 1063944 (VCV001063944.10), dbSNP rs1482095774, ClinGen allele CA369055968.
Genomic context (GRCh38, chr7:124,858,958, plus strand): 5'-GCAAAAATCACTATAATTTATAAAAACATAAAATAACATTTTTTCCTACTATACATCACC[T>G]TCAGAGATCTTGCCACATGAACATGGTTATCGTAGACTAAAATGTCTATTGTCAGATTTT-3'
Protein context (NP_056265.2, residues 224-244): DNHVHVARSL[Lys234Thr]VGSFLRIYSL